The following is an entry in ClinVar:

ClinVar aggregate classification (germline): Conflicting classifications of pathogenicity. Review status: criteria provided, conflicting classifications (1 of 4 stars). 5 submissions from 5 submitters: Uncertain significance (1); Benign (1); Likely benign (2). 1 of the submissions does not count toward it. Last evaluated 2025-12-08.

Conditions:
NDUFAF1-related disorder. Also called: NDUFAF1-related condition.
Mitochondrial complex I deficiency, nuclear type 1. Also called: NADH-COENZYME Q REDUCTASE DEFICIENCY; MITOCHONDRIAL NADH DEHYDROGENASE COMPONENT OF COMPLEX I, DEFICIENCY OF. Identifiers: MedGen C6022305, MONDO:0100224, OMIM 252010.

Allele frequency attached by ClinVar (database versions not stated): gnomAD exomes 0.00033 and 0.00041; ExAC 0.00036; gnomAD 0.00042 and 0.00044; TOPMed 0.00048; ESP Exome Variant Server 0.00062.
gnomAD v4.1: 655 of 1,609,854 alleles (0.041%); highest among the groups gnomAD compares: Non-Finnish European, 0.051%; no homozygotes.

Submissions (5):

Labcorp Genetics (formerly Invitae), Labcorp
Classification: Likely benign. Last evaluated: 2025-12-08. Review status: criteria provided, single submitter. Criteria: Invitae Variant Classification Sherloc (09022015). Collection method: clinical testing. Allele origin: germline.

CeGaT Center for Human Genetics Tuebingen
Classification: Likely benign. Last evaluated: 2024-04-01. Review status: criteria provided, single submitter. Criteria: CeGaT Center For Human Genetics Tuebingen Variant Classification Criteria Version 2. Collection method: clinical testing. Allele origin: germline. Affected: yes. Observed: 1 variant allele.
Comment: NDUFAF1: BP4, BP7

Illumina Laboratory Services, Illumina
Classification: Uncertain significance for Mitochondrial complex I deficiency, nuclear type 1. Last evaluated: 2018-01-13. Review status: criteria provided, single submitter. Criteria: ICSL Variant Classification Criteria 13 December 2019. Collection method: clinical testing. Allele origin: germline.

GeneDx
Classification: Benign. Last evaluated: 2015-01-30. Review status: criteria provided, single submitter. Criteria: GeneDx Variant Classification (06012015). Collection method: clinical testing. Allele origin: germline. Affected: yes.
Comment: This variant is considered likely benign or benign based on one or more of the following criteria: it is a conservative change, it occurs at a poorly conserved position in the protein, it is predicted to be benign by multiple in silico algorithms, and/or has population frequency not consistent with disease.

PreventionGenetics, part of Exact Sciences
Classification: Likely benign for NDUFAF1-related condition. Last evaluated: 2019-02-18. Review status: no assertion criteria provided. Collection method: clinical testing. Allele origin: germline. Not counted in ClinVar's aggregate classification.
Comment: This variant is classified as likely benign based on ACMG/AMP sequence variant interpretation guidelines (Richards et al. 2015 PMID: 25741868, with internal and published modifications).

NM_016013.4(NDUFAF1):c.855C>T (p.Thr285=)

Gene: NDUFAF1 (NADH:ubiquinone oxidoreductase complex assembly factor 1; minus strand). Cytogenetic location: 15q15.1.
Variant type: single nucleotide variant.
Coding change: c.855C>T on transcript NM_016013.4 (MANE Select); coding-DNA position 855, C replaced by T.
Protein change: p.Thr285=; no amino-acid change (threonine 285 retained).
Molecular consequence: synonymous variant. On other transcripts: non-coding transcript variant (1).
Genome position (GRCh38, 1-based): chr15:41,387,573, G>A on the plus strand (C>T on the coding strand, the complement: NDUFAF1 is on the minus strand). VCF-style: chr15-41387573-G-A. GRCh37 (hg19) VCF-style: chr15-41679771-G-A.
Other names: p.T285T:ACC>ACT.
Identifiers: ClinVar variation 214725 (VCV000214725.35), dbSNP rs145122315, ClinGen allele CA324141.